The following is an entry in ClinVar:

ClinVar aggregate classification (germline): Pathogenic (1 of 4 stars; one submission).

Submission:

Labcorp Genetics (formerly Invitae), Labcorp
Classification: Pathogenic. Last evaluated: 2022-12-31. Review status: criteria provided, single submitter. Criteria: Invitae Variant Classification Sherloc (09022015). Collection method: clinical testing. Allele origin: germline.
Comment: For these reasons, this variant has been classified as Pathogenic. This variant has not been reported in the literature in individuals affected with CDH23-related conditions. This variant is not present in population databases (gnomAD no frequency). This sequence change creates a premature translational stop signal (p.Ala1974Leufs*25) in the CDH23 gene. It is expected to result in an absent or disrupted protein product. Loss-of-function variants in CDH23 are known to be pathogenic (PMID: 11138009, 21940737).

Literature cited by the submitters: PubMed 11138009; PubMed 21940737.

NM_022124.6(CDH23):c.5916del (p.Ala1974fs)

Gene: CDH23 (cadherin related 23; plus strand). Cytogenetic location: 10q22.1.
Variant type: Deletion.
Coding change: c.5916del on transcript NM_022124.6 (MANE Select); coding-DNA position 5916, one base deleted (T; older notation c.5916delT).
Protein change: p.Ala1974fs; shifts the reading frame from alanine 1974.
Molecular consequence: frameshift variant.
Genome position (GRCh38, 1-based): chr10:71,789,035, T deleted. VCF-style (leftmost placement, unchanged base first): chr10-71789034-CT-C. GRCh37 (hg19) VCF-style: chr10-73548791-CT-C.
Other names: short protein forms A1974fs.
Identifiers: ClinVar variation 2825549 (VCV002825549.3), dbSNP rs2494369913, ClinGen allele CA2739275806.